The following is an entry in ClinVar:

NM_003000.3(SDHB):c.126T>C (p.Phe42=)

Gene: SDHB (succinate dehydrogenase complex iron sulfur subunit B; minus strand). Cytogenetic location: 1p36.13.
Variant type: single nucleotide variant.
Coding change: c.126T>C on transcript NM_003000.3 (MANE Select); coding-DNA position 126, T replaced by C.
Protein change: p.Phe42=; no amino-acid change (phenylalanine 42 retained).
Molecular consequence: synonymous variant.
Genome position (GRCh38, 1-based): chr1:17,044,835, A>G on the plus strand (T>C on the coding strand, the complement: SDHB is on the minus strand). VCF-style: chr1-17044835-A-G. GRCh37 (hg19) VCF-style: chr1-17371330-A-G.
Other names: c.126T>C, p.Phe42= (NM_001407361.1).
Identifiers: ClinVar variation 3904649 (VCV003904649.1).

ClinVar aggregate classification (germline): Benign (1 of 4 stars; one submission).

Conditions:
Pheochromocytoma/paraganglioma syndrome 4. Also called: CAROTID BODY TUMORS AND MULTIPLE EXTRAADRENAL PHEOCHROMOCYTOMAS; PARAGANGLIOMA, FAMILIAL MALIGNANT; PARAGANGLIOMAS, HEREDITARY EXTRAADRENAL; PHEOCHROMOCYTOMA, FAMILIAL EXTRAADRENAL; Paragangliomas 4; SDHB-Related Hereditary Paraganglioma-Pheochromocytoma Syndrome (Paragangliomas 4). Identifiers: Orphanet 29072, MedGen C1861848, MONDO:0007273, OMIM 115310.

Submission:

Myriad Genetics, Inc.
Classification: Benign for Pheochromocytoma/paraganglioma syndrome 4. Last evaluated: 2025-03-12. Review status: criteria provided, single submitter. Criteria: Myriad Autosomal Dominant, Autosomal Recessive and X-Linked Classification Criteria (2023). Collection method: clinical testing. Allele origin: unknown.
Comment: This variant is considered benign. This variant is a silent/synonymous amino acid change and it is not expected to impact splicing.